The following is an entry in ClinVar:

ClinVar aggregate classification (germline): Pathogenic/Likely pathogenic. Review status: criteria provided, multiple submitters, no conflicts (2 of 4 stars). 3 submissions from 3 submitters: Pathogenic (1); Likely pathogenic (1). 1 of the submissions does not count toward it. Last evaluated 2023-11-08.

Conditions:
Neuronal ceroid lipofuscinosis 1 (CLN1). Also called: PPT1-Related Neuronal Ceroid-Lipofuscinosis; CEROID LIPOFUSCINOSIS, NEURONAL, 1, VARIABLE AGE AT ONSET. Identifiers: Orphanet 228329, MedGen C1850451, MONDO:0009744, OMIM 256730.

Submissions (3):

Baylor Genetics
Classification: Likely pathogenic for Neuronal ceroid lipofuscinosis 1. Last evaluated: 2023-11-08. Review status: criteria provided, single submitter. Criteria: ACMG Guidelines, 2015. Collection method: clinical testing. Allele origin: unknown.

Labcorp Genetics (formerly Invitae), Labcorp
Classification: Pathogenic for Neuronal ceroid lipofuscinosis 1. Last evaluated: 2023-09-26. Review status: criteria provided, single submitter. Criteria: Invitae Variant Classification Sherloc (09022015). Collection method: clinical testing. Allele origin: germline.
Comment: For these reasons, this variant has been classified as Pathogenic. ClinVar contains an entry for this variant (Variation ID: 370947). This variant has not been reported in the literature in individuals affected with PPT1-related conditions. This variant is not present in population databases (gnomAD no frequency). This sequence change creates a premature translational stop signal (p.Asn218Lysfs*16) in the PPT1 gene. It is expected to result in an absent or disrupted protein product. Loss-of-function variants in PPT1 are known to be pathogenic (PMID: 10679943, 21990111).

Counsyl
Classification: Likely pathogenic for Neuronal ceroid lipofuscinosis 1. Last evaluated: 2016-05-23. Review status: no assertion criteria provided. Collection method: clinical testing. Allele origin: unknown. Not counted in ClinVar's aggregate classification.

Literature cited by the submitters: PubMed 10679943 (cited by Labcorp Genetics (formerly Invitae), Labcorp); PubMed 21990111 (cited by Labcorp Genetics (formerly Invitae), Labcorp).

NM_000310.4(PPT1):c.653dup (p.Asn218fs)

Gene: PPT1 (palmitoyl-protein thioesterase 1; minus strand). Cytogenetic location: 1p34.2.
Variant type: Duplication.
Coding change: c.653dup on transcript NM_000310.4 (MANE Select); coding-DNA position 653, one base duplicated (A; older notation c.653dupA).
Protein change: p.Asn218fs; shifts the reading frame from asparagine 218.
Molecular consequence: frameshift variant.
Genome position (GRCh38, 1-based): chr1:40,078,633, T duplicated on the plus strand (A on the coding strand, the reverse complement: PPT1 is on the minus strand); the first of 5 consecutive T bases (chr1:40,078,633-40,078,637); duplicating any one gives the same sequence. VCF-style (leftmost placement, unchanged base first): chr1-40078632-G-GT. GRCh37 (hg19) VCF-style: chr1-40544304-G-GT.
Other names: c.344dup, p.Asn115fs (NM_001142604.2); c.653dup, p.Asn218fs (NM_001363695.2); c.653dupA (NM_000310.3); short protein forms N115fs, N218fs.
Identifiers: ClinVar variation 370947 (VCV000370947.8), dbSNP rs1057516889, ClinGen allele CA16040727.